The following is an entry in ClinVar:

ClinVar aggregate classification (germline): Conflicting classifications of pathogenicity. Review status: criteria provided, conflicting classifications (1 of 4 stars). 12 submissions from 12 submitters: Likely pathogenic (2); Uncertain significance (7); Likely benign (1). 2 of the submissions do not count toward it. Last evaluated 2026-09-17.

Conditions:
STX1B-related disorder. Also called: STX1B-related condition.
Inborn genetic diseases. Identifiers: MedGen C0950123, MeSH D030342.
STX1B-related developmental and epileptic encephalopathy.
Generalized epilepsy with febrile seizures plus, type 9 (GEFSP9). Also called: GEFS+, TYPE 9. Identifiers: Orphanet 36387, MedGen C4015395, MONDO:0014517, OMIM 616172.

Allele frequency attached by ClinVar (database versions not stated): TOPMed 0.00001; ExAC 0.00001; gnomAD 0.00001; gnomAD exomes 0.00001.

Submissions (12):

GeneDx
Classification: Uncertain significance. Last evaluated: 2026-09-17. Review status: criteria provided, single submitter. Criteria: GeneDx Variant Classification Process June 2021. Collection method: clinical testing. Allele origin: germline.
Comment: Apparently de novo variant in a patient with developmental and epileptic encephalopathy (PMID: 30737342); Reported previously as a de novo variant in a patient with epilepsy with myoclonic-atonic seizures (PMID: 40347095); Not observed at significant frequency in large population cohorts (gnomAD); In silico analysis suggests that this missense variant does not alter protein structure/function; This variant is associated with the following publications: (PMID: 35350397, 37066095, 35982159, 33057194, 30737342, 40347095)

Undiagnosed Diseases Network, NIH
Classification: Likely pathogenic for STX1B-related developmental and epileptic encephalopathy. Last evaluated: 2026-05-04. Review status: criteria provided, single submitter. Criteria: ACMG Guidelines, 2015. Collection method: clinical testing. Allele origin: de novo. Affected: yes. Observed: 1 variant allele, 1 heterozygote. Study: Undiagnosed Diseases Network (NIH), UDN.

Women's Health and Genetics/Laboratory Corporation of America, LabCorp
Classification: Uncertain significance. Last evaluated: 2026-04-27. Review status: criteria provided, single submitter. Criteria: LabCorp Variant Classification Summary - May 2015. Collection method: clinical testing. Allele origin: germline.
Comment: Variant summary: STX1B c.845T>C (p.Ile282Thr) results in a non-conservative amino acid change in the encoded protein sequence. Algorithms developed to predict the effect of missense changes on protein structure and function are either unavailable or do not agree on the potential impact of this missense change. The variant allele was found at a frequency of 1.2e-05 in 249946 control chromosomes. The available data on variant occurrences in the general population are insufficient to allow any conclusion about variant significance. c.845T>C has been observed in individuals affected with Generalized Epilepsy With Febrile Seizures Plus, Type 9 without strong evidence for causality (Wolking_2019, Barcia_2025). These report(s) do not provide unequivocal conclusions about association of the variant with Generalized Epilepsy With Febrile Seizures Plus, Type 9. To our knowledge, no experimental evidence demonstrating an impact on protein function has been reported. The following publications have been ascertained in the context of this evaluation (PMID: 40347095, 30737342). ClinVar contains an entry for this variant (Variation ID: 265262). Based on the evidence outlined above, the variant was classified as uncertain significance.

Labcorp Genetics (formerly Invitae), Labcorp
Classification: Likely benign for Generalized epilepsy with febrile seizures plus, type 9. Last evaluated: 2025-10-02. Review status: criteria provided, single submitter. Criteria: Invitae Variant Classification Sherloc (09022015). Collection method: clinical testing. Allele origin: germline.

Blueprint Genetics
Classification: Uncertain significance. Last evaluated: 2024-06-11. Review status: criteria provided, single submitter. Criteria: ACMG Guidelines, 2015. Collection method: clinical testing. Allele origin: germline.

MGZ Medical Genetics Center
Classification: Uncertain significance for Generalized epilepsy with febrile seizures plus, type 9. Last evaluated: 2022-08-24. Review status: criteria provided, single submitter. Criteria: ACMG Guidelines, 2015. Collection method: clinical testing. Allele origin: germline. Affected: yes. Observed: 3 variant alleles.
Comment: ACMG criteria applied: PM2_SUP, PP2, BP4

Clinical Genetics Laboratory, Skane University Hospital Lund
Classification: Uncertain significance. Last evaluated: 2022-05-27. Review status: criteria provided, single submitter. Criteria: ACMG Guidelines, 2015. Collection method: clinical testing. Allele origin: germline. Affected: yes.

Ambry Genetics
Classification: Uncertain significance for Inborn genetic diseases. Last evaluated: 2022-04-19. Review status: criteria provided, single submitter. Criteria: Ambry Variant Classification Scheme 2023. Collection method: clinical testing. Allele origin: germline.
Comment: The c.845T>C (p.I282T) alteration is located in coding exon 10 of the STX1B gene. This alteration results from a T to C substitution at nucleotide position 845, causing the isoleucine (I) at amino acid position 282 to be replaced by a threonine (T). Based on insufficient or conflicting evidence, the clinical significance of this alteration remains unclear.

Institute of Human Genetics, University of Leipzig Medical Center
Classification: Uncertain significance for Generalized epilepsy with febrile seizures plus, type 9. Last evaluated: 2020-10-30. Review status: criteria provided, single submitter. Criteria: ACMG Guidelines, 2015. Collection method: clinical testing. Allele origin: maternal. Affected: yes.

Pediatrics, MediClubGeorgia
Classification: Likely pathogenic for Generalized epilepsy with febrile seizures plus, type 9. Review status: criteria provided, single submitter. Criteria: ACMG Guidelines, 2015. Collection method: research. Allele origin: unknown. Inheritance: Autosomal dominant inheritance. Affected: yes.

Diagnostics Centre, Carl Von Ossietzky University Oldenburg
Classification: Uncertain significance for Generalized epilepsy with febrile seizures plus, type 9. Last evaluated: 2025-06-18. Review status: no assertion criteria provided. Collection method: clinical testing. Allele origin: germline. Affected: yes. Observed: 1 variant allele. Not counted in ClinVar's aggregate classification.
Comment: The variant STX1B:c.845T>C p.Ile282Thr, results from thymine-to-cytosine substitution at nucleotide position c.845. The isoleucine at protein position 282 is replaced by a threonine. Missense variants in this gene or the affected region are a known disease mechanism and are rare in the general population. The affected protein region has significant levels of missense constrain. The variant is classified as rare in the general population (MAF 9.2 * e-6 in gnomAD). The variant has been classified as variant of uncertain significance in five entries and one as likely benign on ClinVar (VCV000265262.29). In summary, the variant is classified as variant of uncertain significance.

PreventionGenetics, part of Exact Sciences
Classification: Uncertain significance for STX1B-related condition. Last evaluated: 2024-03-26. Review status: no assertion criteria provided. Collection method: clinical testing. Allele origin: germline. Not counted in ClinVar's aggregate classification.
Comment: The STX1B c.845T>C variant is predicted to result in the amino acid substitution p.Ile282Thr. This variant was reported de novo in an individual with STX1B-related disease (Wolking et al. 2019. PubMed ID: 30737342). This variant is reported in 0.0027% of alleles in individuals of European (Non-Finnish) descent in gnomAD, and It has conflicting interpretations in ClinVar, including likely benign and uncertain significance. At this time, the clinical significance of this variant is uncertain due to the absence of conclusive functional and genetic evidence.

Literature cited by the submitters: PubMed 40347095 (cited by Women's Health and Genetics/Laboratory Corporation of America, LabCorp); PubMed 30737342 (cited by 3 submitters).

NM_052874.5(STX1B):c.845T>C (p.Ile282Thr)

Gene: STX1B (syntaxin 1B; minus strand). Cytogenetic location: 16p11.2.
Variant type: single nucleotide variant.
Coding change: c.845T>C on transcript NM_052874.5 (MANE Select); coding-DNA position 845, T replaced by C.
Protein change: p.Ile282Thr; replaces isoleucine 282 with threonine.
Molecular consequence: missense variant.
Genome position (GRCh38, 1-based): chr16:30,992,843, A>G on the plus strand (T>C on the coding strand, the complement: STX1B is on the minus strand). VCF-style: chr16-30992843-A-G. GRCh37 (hg19) VCF-style: chr16-31004164-A-G.
Other names: short protein forms I282T.
Identifiers: ClinVar variation 265262 (VCV000265262.33), dbSNP rs763428520, ClinGen allele CA8018222.